The following is an entry in ClinVar:

NM_006231.4(POLE):c.5145G>T (p.Glu1715Asp)

Gene: POLE (DNA polymerase epsilon, catalytic subunit; minus strand). Cytogenetic location: 12q24.33.
Variant type: single nucleotide variant.
Coding change: c.5145G>T on transcript NM_006231.4 (MANE Select); coding-DNA position 5145, G replaced by T.
Protein change: p.Glu1715Asp; replaces glutamic acid 1715 with aspartic acid.
Molecular consequence: missense variant.
Genome position (GRCh38, 1-based): chr12:132,642,205, C>A on the plus strand (G>T on the coding strand, the complement: POLE is on the minus strand). VCF-style: chr12-132642205-C-A. GRCh37 (hg19) VCF-style: chr12-133218791-C-A.
Other names: short protein forms E1715D.
Identifiers: ClinVar variation 1745630 (VCV001745630.2), dbSNP rs2138529257, ClinGen allele CA387376713.

ClinVar aggregate classification (germline): Uncertain significance (1 of 4 stars; one submission).

Conditions:
Hereditary cancer-predisposing syndrome. Also called: Hereditary Cancer Syndrome; Neoplastic Syndromes, Hereditary; Tumor predisposition; Hereditary neoplastic syndrome. Identifiers: Orphanet 140162, MedGen C0027672, MeSH D009386, MONDO:0015356.

gnomAD v4.1: 1 of 1,598,894 alleles (0.000063%); highest among the groups gnomAD compares: Non-Finnish European, 0.000085%; no homozygotes.

Submission:

Ambry Genetics
Classification: Uncertain significance for Hereditary cancer-predisposing syndrome. Last evaluated: 2021-07-15. Review status: criteria provided, single submitter. Criteria: Ambry Variant Classification Scheme 2023. Collection method: clinical testing. Allele origin: germline.
Comment: The p.E1715D variant (also known as c.5145G>T), located in coding exon 38 of the POLE gene, results from a G to T substitution at nucleotide position 5145. The glutamic acid at codon 1715 is replaced by aspartic acid, an amino acid with highly similar properties. This amino acid position is conserved. In addition, the in silico prediction for this alteration is inconclusive. Since supporting evidence is limited at this time, the clinical significance of this alteration remains unclear.